The following is an entry in ClinVar:

NM_006516.4(SLC2A1):c.114+1G>A

Gene: SLC2A1 (solute carrier family 2 member 1; minus strand). Cytogenetic location: 1p34.2.
Variant type: single nucleotide variant.
Coding change: c.114+1G>A on transcript NM_006516.4 (MANE Select); the canonical splice donor site of the intron after coding-DNA position 114, G replaced by A.
Molecular consequence: splice donor variant.
Genome position (GRCh38, 1-based): chr1:42,943,225, C>T on the plus strand (G>A on the coding strand, the complement: SLC2A1 is on the minus strand). VCF-style: chr1-42943225-C-T. GRCh37 (hg19) VCF-style: chr1-43408896-C-T.
Identifiers: ClinVar variation 4710674 (VCV004710674.1).

ClinVar aggregate classification (germline): Pathogenic (1 of 4 stars; one submission).

Conditions:
GLUT1 deficiency syndrome 1, autosomal recessive. Identifiers: MedGen C3149117.

Submission:

Labcorp Genetics (formerly Invitae), Labcorp
Classification: Pathogenic for GLUT1 deficiency syndrome 1, autosomal recessive. Last evaluated: 2025-07-30. Review status: criteria provided, single submitter. Criteria: Invitae Variant Classification Sherloc (09022015). Collection method: clinical testing. Allele origin: germline.
Comment: This sequence change affects a donor splice site in intron 2 of the SLC2A1 gene. It is expected to disrupt RNA splicing. Variants that disrupt the donor or acceptor splice site typically lead to a loss of protein function (PMID: 16199547), and loss-of-function variants in SLC2A1 are known to be pathogenic (PMID: 21832227, 26193382). This variant is not present in population databases (gnomAD no frequency). Disruption of this splice site has been observed in individual(s) with GLUT1-deficiency syndrome (PMID: 36362347). In at least one individual the variant was observed to be de novo. Studies have shown that disruption of this splice site alters SLC2A1 gene expression (PMID: 36362347). Algorithms developed to predict the effect of sequence changes on RNA splicing suggest that this variant may disrupt the consensus splice site. For these reasons, this variant has been classified as Pathogenic.

Literature cited by the submitters: PubMed 16199547; PubMed 21832227; PubMed 26193382; PubMed 36362347.